The following is an entry in ClinVar:

NM_000458.4(HNF1B):c.1654-11T>C

Gene: HNF1B (HNF1 homeobox B; minus strand). Cytogenetic location: 17q12.
Variant type: single nucleotide variant.
Coding change: c.1654-11T>C on transcript NM_000458.4 (MANE Select); 11 bases into the intron before coding-DNA position 1654, T replaced by C.
Molecular consequence: intron variant.
Genome position (GRCh38, 1-based): chr17:37,687,403, A>G on the plus strand (T>C on the coding strand, the complement: HNF1B is on the minus strand). VCF-style: chr17-37687403-A-G. GRCh37 (hg19) VCF-style: chr17-36047406-A-G.
Other names: p.?; c.1262-11T>C (NM_001304286.2); c.1576-11T>C (NM_001165923.4).
Identifiers: ClinVar variation 890273 (VCV000890273.10), dbSNP rs193922484, ClinGen allele CA290286691.
Genomic context (GRCh38, chr17:37,687,403, plus strand): 5'-TTGCGCACGAAGTAAGTGGTGTGTGGGCATCACCAGGCTTGTAGAGGACACTGCAGAGAG[A>G]GAGGAGAGAGGGTGCTCAGCTGTGTCATTTGGCAGGGTCATGGGCCATTAGTTTGGCTTC-3'

ClinVar aggregate classification (germline): Conflicting classifications of pathogenicity. Review status: criteria provided, conflicting classifications (1 of 4 stars). 4 submissions from 4 submitters: Uncertain significance (2); Likely benign (2). Last evaluated 2025-09-02.

Conditions:
Maturity-onset diabetes of the young (MODY). Also called: Maturity onset diabetes mellitus in young. Identifiers: Orphanet 552, MedGen C0342276, MONDO:0018911, HP:0004904.
Renal cysts and diabetes syndrome (RCAD). Also called: Familial hypoplastic, glomerulocystic kidney; MATURITY-ONSET DIABETES OF THE YOUNG, TYPE 5. Identifiers: Orphanet 93111, MedGen C0431693, MONDO:0007669, OMIM 137920.

Allele frequency attached by ClinVar (database versions not stated): TOPMed 0.00013.

Submissions (4):

Labcorp Genetics (formerly Invitae), Labcorp
Classification: Likely benign. Last evaluated: 2025-09-02. Review status: criteria provided, single submitter. Criteria: Invitae Variant Classification Sherloc (09022015). Collection method: clinical testing. Allele origin: germline.

Mayo Clinic Laboratories, Mayo Clinic
Classification: Likely benign. Last evaluated: 2024-11-25. Review status: criteria provided, single submitter. Criteria: ACMG Guidelines, 2015. Collection method: clinical testing. Allele origin: germline. Observed: 1 variant allele.
Comment: BP4, BP7

Illumina Laboratory Services, Illumina
Classification: Uncertain significance for Renal cysts and diabetes syndrome. Last evaluated: 2018-01-12. Review status: criteria provided, single submitter. Criteria: ICSL Variant Classification Criteria 13 December 2019. Collection method: clinical testing. Allele origin: germline.

Clinical Genomics, Uppaluri K&H Personalized Medicine Clinic
Classification: Uncertain significance for Maturity-onset diabetes of the young. Review status: criteria provided, single submitter. Criteria: K & H Uppaluri Personalized Medicine Clinic Variant Classification & Assertion Criteria_Updated V.1. Collection method: research. Allele origin: unknown. Inheritance: Autosomal dominant inheritance.
Comment: HNF1B gene mutations are associated with early onset diabetes and pancreatic atrophy. It is also associated with multiple renal manifestations including renal cysts, Tubulointerstitial disease, glomerulocystic disease, renal hypoplasia, hypomagnesemia. However no sufficient evidence is found to ascertain the role of this particular variant rs193922484, yet.

Literature cited by the submitters: PubMed 24897035 (cited by Clinical Genomics, Uppaluri K&H Personalized Medicine Clinic); PubMed 25536396 (cited by Clinical Genomics, Uppaluri K&H Personalized Medicine Clinic); PubMed 27615128 (cited by Clinical Genomics, Uppaluri K&H Personalized Medicine Clinic); PubMed 28215227 (cited by Clinical Genomics, Uppaluri K&H Personalized Medicine Clinic); PubMed 33434175 (cited by Clinical Genomics, Uppaluri K&H Personalized Medicine Clinic); PubMed 25741167 (cited by Clinical Genomics, Uppaluri K&H Personalized Medicine Clinic); PubMed 26340261 (cited by Clinical Genomics, Uppaluri K&H Personalized Medicine Clinic); PubMed 19639018 (cited by Clinical Genomics, Uppaluri K&H Personalized Medicine Clinic).